The following is an entry in ClinVar:

ClinVar aggregate classification (germline): Uncertain significance (1 of 4 stars; one submission).

Submission:

Labcorp Genetics (formerly Invitae), Labcorp
Classification: Uncertain significance. Last evaluated: 2022-07-26. Review status: criteria provided, single submitter. Criteria: Invitae Variant Classification Sherloc (09022015). Collection method: clinical testing. Allele origin: germline.
Comment: This sequence change replaces alanine, which is neutral and non-polar, with valine, which is neutral and non-polar, at codon 535 of the KIF2A protein (p.Ala535Val). In summary, the available evidence is currently insufficient to determine the role of this variant in disease. Therefore, it has been classified as a Variant of Uncertain Significance. Algorithms developed to predict the effect of sequence changes on RNA splicing suggest that this variant may create or strengthen a splice site. Algorithms developed to predict the effect of missense changes on protein structure and function (SIFT, PolyPhen-2, Align-GVGD) all suggest that this variant is likely to be tolerated. ClinVar contains an entry for this variant (Variation ID: 1490256). This variant has not been reported in the literature in individuals affected with KIF2A-related conditions. This variant is not present in population databases (gnomAD no frequency).

NM_001098511.3(KIF2A):c.1604C>T (p.Ala535Val)

Gene: KIF2A (kinesin family member 2A; plus strand). Cytogenetic location: 5q12.1.
Variant type: single nucleotide variant.
Coding change: c.1604C>T on transcript NM_001098511.3 (MANE Select); coding-DNA position 1604, C replaced by T.
Protein change: p.Ala535Val; replaces alanine 535 with valine.
Molecular consequence: missense variant.
Genome position (GRCh38, 1-based): chr5:62,366,439, C>T. VCF-style: chr5-62366439-C-T. GRCh37 (hg19) VCF-style: chr5-61662266-C-T.
Other names: c.1523C>T, p.Ala508Val (NM_001243952.2); c.1547C>T, p.Ala516Val (NM_001243953.2); c.1604C>T, p.Ala535Val (NM_004520.5); short protein forms A508V, A535V, A516V.
Identifiers: ClinVar variation 1490256 (VCV001490256.8), dbSNP rs2111967888, ClinGen allele CA359952001.